The following is an entry in ClinVar:

ClinVar aggregate classification (germline): Uncertain significance. Review status: criteria provided, multiple submitters, no conflicts (2 of 4 stars). 2 submissions from 2 submitters: Uncertain significance (2). Last evaluated 2025-12-15.

Conditions:
Inborn genetic diseases. Identifiers: MedGen C0950123, MeSH D030342.

Allele frequency attached by ClinVar (database versions not stated): gnomAD exomes below 0.00001; ExAC 0.00002; TOPMed 0.00007; gnomAD 0.00008; 1000 Genomes Project 30x 0.00031; 1000 Genomes Project 0.00040.
gnomAD v4.1: 18 of 1,612,864 alleles (0.0011%); highest among the groups gnomAD compares: African/African-American, 0.024%; no homozygotes.

Submissions (2):

Ambry Genetics
Classification: Uncertain significance for Inborn genetic diseases. Last evaluated: 2025-12-15. Review status: criteria provided, single submitter. Criteria: Ambry Variant Classification Scheme 2023. Collection method: clinical testing. Allele origin: germline.

Labcorp Genetics (formerly Invitae), Labcorp
Classification: Uncertain significance. Last evaluated: 2024-11-19. Review status: criteria provided, single submitter. Criteria: Invitae Variant Classification Sherloc (09022015). Collection method: clinical testing. Allele origin: germline.
Comment: This sequence change replaces phenylalanine, which is neutral and non-polar, with leucine, which is neutral and non-polar, at codon 294 of the CEP152 protein (p.Phe294Leu). This variant is present in population databases (rs201925410, gnomAD 0.03%). This variant has not been reported in the literature in individuals affected with CEP152-related conditions. ClinVar contains an entry for this variant (Variation ID: 1927493). Invitae Evidence Modeling of protein sequence and biophysical properties (such as structural, functional, and spatial information, amino acid conservation, physicochemical variation, residue mobility, and thermodynamic stability) indicates that this missense variant is not expected to disrupt CEP152 protein function with a negative predictive value of 80%. In summary, the available evidence is currently insufficient to determine the role of this variant in disease. Therefore, it has been classified as a Variant of Uncertain Significance.

NM_001194998.2(CEP152):c.882T>G (p.Phe294Leu)

Gene: CEP152 (centrosomal protein 152; minus strand). Cytogenetic location: 15q21.1.
Variant type: single nucleotide variant.
Coding change: c.882T>G on transcript NM_001194998.2 (MANE Select); coding-DNA position 882, T replaced by G.
Protein change: p.Phe294Leu; replaces phenylalanine 294 with leucine.
Molecular consequence: missense variant.
Genome position (GRCh38, 1-based): chr15:48,791,327, A>C on the plus strand (T>G on the coding strand, the complement: CEP152 is on the minus strand). VCF-style: chr15-48791327-A-C. GRCh37 (hg19) VCF-style: chr15-49083524-A-C.
Other names: c.882T>G (NM_014985.3); c.882T>G, p.Phe294Leu (NM_014985.4); short protein forms F294L.
Identifiers: ClinVar variation 1927493 (VCV001927493.5), dbSNP rs201925410, ClinGen allele CA7549002.